The following is an entry in ClinVar:

ClinVar aggregate classification (germline): Pathogenic/Likely pathogenic. Review status: criteria provided, multiple submitters, no conflicts (2 of 4 stars). 2 submissions from 2 submitters: Pathogenic (1); Likely pathogenic (1). Last evaluated 2021-03-01.

Conditions:
Marfan syndrome (MFS). Also called: FBN1-Related Marfan Syndrome; Marfan syndrome type 1; Marfan's syndrome; Marfan syndrome, classic; MARFAN SYNDROME, TYPE I. Identifiers: Orphanet 284963, Orphanet 558, MedGen C0024796, MONDO:0007947, OMIM 154700.

Submissions (2):

Centre of Medical Genetics, University of Antwerp
Classification: Pathogenic for Marfan syndrome. Last evaluated: 2021-03-01. Review status: criteria provided, single submitter. Criteria: Submitter's publication. Collection method: research. Allele origin: unknown. Affected: yes.
Comment: PM2, PVS1, PP4

Women's Health and Genetics/Laboratory Corporation of America, LabCorp
Classification: Likely pathogenic for Marfan Syndrome. Last evaluated: 2011-08-18. Review status: criteria provided, single submitter. Criteria: LabCorp Variant Classification Summary - May 2015. Collection method: curation, clinical testing. Allele origin: germline. Inheritance: autosomal unknown. Affected: yes.
ClinVar note: Converted during submission from likely pathogenic to Likely pathogenic.

NM_000138.5(FBN1):c.1709del (p.Cys570fs)

Gene: FBN1 (fibrillin 1; minus strand). Cytogenetic location: 15q21.1.
Variant type: Deletion.
Coding change: c.1709del on transcript NM_000138.5 (MANE Select); coding-DNA position 1709, one base deleted (G; older notation c.1709delG).
Protein change: p.Cys570fs; shifts the reading frame from cysteine 570.
Molecular consequence: frameshift variant.
Genome position (GRCh38, 1-based): chr15:48,510,049, C deleted on the plus strand (G on the coding strand, the reverse complement: FBN1 is on the minus strand). VCF-style (leftmost placement, unchanged base first): chr15-48510048-AC-A. GRCh37 (hg19) VCF-style: chr15-48802245-AC-A.
Other names: c.1709delG (NM_000138.4); short protein forms C570fs.
Identifiers: ClinVar variation 36038 (VCV000036038.20), dbSNP rs193922182, ClinGen allele CA012482.